The following is an entry in ClinVar:

NM_014000.3(VCL):c.531G>C (p.Glu177Asp)

Gene: VCL (vinculin; plus strand). Cytogenetic location: 10q22.2.
Variant type: single nucleotide variant.
Coding change: c.531G>C on transcript NM_014000.3 (MANE Select); coding-DNA position 531, G replaced by C.
Protein change: p.Glu177Asp; replaces glutamic acid 177 with aspartic acid.
Molecular consequence: missense variant.
Genome position (GRCh38, 1-based): chr10:74,072,761, G>C. VCF-style: chr10-74072761-G-C. GRCh37 (hg19) VCF-style: chr10-75832519-G-C.
Other names: c.531G>C, p.Glu177Asp (NM_003373.4); short protein forms E177D.
Identifiers: ClinVar variation 2481253 (VCV002481253.4), dbSNP rs1444296833, ClinGen allele CA377267939.

ClinVar aggregate classification (germline): Uncertain significance. Review status: criteria provided, multiple submitters, no conflicts (2 of 4 stars). 2 submissions from 2 submitters: Uncertain significance (2). Last evaluated 2025-02-05.

Conditions:
Cardiovascular phenotype. Identifiers: MedGen CN230736.
Dilated cardiomyopathy 1W (CMD1W). Identifiers: Orphanet 154, MedGen C1969639, MONDO:0012667, OMIM 611407.

Allele frequency attached by ClinVar (database versions not stated): gnomAD 0.00001; 1000 Genomes Project 30x 0.00031.
gnomAD v4.1: 10 of 1,614,044 alleles (0.00062%); highest among the groups gnomAD compares: South Asian, 0.0077%; no homozygotes.

Submissions (2):

Labcorp Genetics (formerly Invitae), Labcorp
Classification: Uncertain significance for Dilated cardiomyopathy 1W. Last evaluated: 2025-02-05. Review status: criteria provided, single submitter. Criteria: Invitae Variant Classification Sherloc (09022015). Collection method: clinical testing. Allele origin: germline.
Comment: This sequence change replaces glutamic acid, which is acidic and polar, with aspartic acid, which is acidic and polar, at codon 177 of the VCL protein (p.Glu177Asp). This variant is present in population databases (no rsID available, gnomAD 0.006%). This variant has not been reported in the literature in individuals affected with VCL-related conditions. ClinVar contains an entry for this variant (Variation ID: 2481253). An algorithm developed to predict the effect of missense changes on protein structure and function (PolyPhen-2) suggests that this variant is likely to be tolerated. In summary, the available evidence is currently insufficient to determine the role of this variant in disease. Therefore, it has been classified as a Variant of Uncertain Significance.

Ambry Genetics
Classification: Uncertain significance for Cardiovascular phenotype. Last evaluated: 2023-02-06. Review status: criteria provided, single submitter. Criteria: Ambry Variant Classification Scheme 2023. Collection method: clinical testing. Allele origin: germline.